The following is an entry in ClinVar:

ClinVar aggregate classification (germline): Uncertain significance (1 of 4 stars; one submission).

Conditions:
Hypertrophic cardiomyopathy. Also called: HYPERTROPHIC MYOCARDIOPATHY. Identifiers: Orphanet 217569, MedGen C0007194, MeSH D002312, MONDO:0005045, HP:0001639.

Allele frequency attached by ClinVar (database versions not stated): gnomAD exomes below 0.00001.
gnomAD v4.1: 1 of 1,600,774 alleles (0.000062%); highest among the groups gnomAD compares: South Asian, 0.0011%; no homozygotes.

Submission:

Labcorp Genetics (formerly Invitae), Labcorp
Classification: Uncertain significance for Hypertrophic cardiomyopathy. Last evaluated: 2021-08-06. Review status: criteria provided, single submitter. Criteria: Invitae Variant Classification Sherloc (09022015). Collection method: clinical testing. Allele origin: germline.
Comment: Algorithms developed to predict the effect of missense changes on protein structure and function are either unavailable or do not agree on the potential impact of this missense change (SIFT: "Deleterious"; PolyPhen-2: "Benign"; Align-GVGD: "Class C0"). In summary, the available evidence is currently insufficient to determine the role of this variant in disease. Therefore, it has been classified as a Variant of Uncertain Significance. This variant has not been reported in the literature in individuals with TNNI3-related conditions. This variant is not present in population databases (ExAC no frequency). This sequence change replaces alanine with threonine at codon 28 of the TNNI3 protein (p.Ala28Thr). The alanine residue is highly conserved and there is a small physicochemical difference between alanine and threonine.

NM_000363.5(TNNI3):c.82G>A (p.Ala28Thr)

Gene: TNNI3 (troponin I3, cardiac type; minus strand). Cytogenetic location: 19q13.42.
Variant type: single nucleotide variant.
Coding change: c.82G>A on transcript NM_000363.5 (MANE Select); coding-DNA position 82, G replaced by A.
Protein change: p.Ala28Thr; replaces alanine 28 with threonine.
Molecular consequence: missense variant.
Genome position (GRCh38, 1-based): chr19:55,157,076, C>T on the plus strand (G>A on the coding strand, the complement: TNNI3 is on the minus strand). VCF-style: chr19-55157076-C-T. GRCh37 (hg19) VCF-style: chr19-55668444-C-T.
Other names: short protein forms A28T.
Identifiers: ClinVar variation 1345266 (VCV001345266.8), dbSNP rs2147285950, ClinGen allele CA407442964.
Genomic context (GRCh38, chr19:55,157,076, plus strand): 5'-GCCTGTACTCTGCCCCCAGGAAGCCCCGTCCCACCTTGGCGTGCGGCTCCGTGGCATAAG[C>T]GCGGTAGTTGGAGGAGCGGCGTCTGATTGGGGCTGGTGCAGGGCGAGGTTCCCTAGCCTG-3'
Protein context (NP_000354.4, residues 18-38): PIRRRSSNYR[Ala28Thr]YATEPHAKKK